The following is an entry in ClinVar:

NM_015450.3(POT1):c.986G>A (p.Cys329Tyr)

Gene: POT1 (protection of telomeres 1; minus strand). Cytogenetic location: 7q31.33.
Variant type: single nucleotide variant.
Coding change: c.986G>A on transcript NM_015450.3 (MANE Select); coding-DNA position 986, G replaced by A.
Protein change: p.Cys329Tyr; replaces cysteine 329 with tyrosine.
Molecular consequence: missense variant. On other transcripts: non-coding transcript variant (3).
Genome position (GRCh38, 1-based): chr7:124,846,962, C>T on the plus strand (G>A on the coding strand, the complement: POT1 is on the minus strand). VCF-style: chr7-124846962-C-T. GRCh37 (hg19) VCF-style: chr7-124487016-C-T.
Other names: c.593G>A, p.Cys198Tyr (NM_001042594.2); short protein forms C329Y, C198Y.
Identifiers: ClinVar variation 475116 (VCV000475116.11), dbSNP rs1472832603, ClinGen allele CA369053741.

ClinVar aggregate classification (germline): Uncertain significance. Review status: criteria provided, multiple submitters, no conflicts (2 of 4 stars). 3 submissions from 3 submitters: Uncertain significance (3). Last evaluated 2025-04-17.

Conditions:
Tumor predisposition syndrome 3 (TPDS3). Also called: Glioma susceptibility 9; LONG TELOMERE SYNDROME, POT1-RELATED; POT1 Tumor Predisposition; Melanoma, cutaneous malignant, susceptibility to, 10. Identifiers: Orphanet 618, MedGen C4014476, MONDO:0014368, OMIM 615848.
Hereditary cancer-predisposing syndrome. Also called: Hereditary neoplastic syndrome; Hereditary Cancer Syndrome; Neoplastic Syndromes, Hereditary; Tumor predisposition. Identifiers: Orphanet 140162, MedGen C0027672, MeSH D009386, MONDO:0015356.

Allele frequency attached by ClinVar (database versions not stated): gnomAD exomes below 0.00001.
gnomAD v4.1: 4 of 1,605,128 alleles (0.00025%); highest among the groups gnomAD compares: Non-Finnish European, 0.00034%; no homozygotes.

Submissions (3):

Labcorp Genetics (formerly Invitae), Labcorp
Classification: Uncertain significance for Tumor predisposition syndrome 3. Last evaluated: 2025-04-17. Review status: criteria provided, single submitter. Criteria: Invitae Variant Classification Sherloc (09022015). Collection method: clinical testing. Allele origin: germline.
Comment: This sequence change replaces cysteine, which is neutral and slightly polar, with tyrosine, which is neutral and polar, at codon 329 of the POT1 protein (p.Cys329Tyr). The frequency data for this variant in the population databases is considered unreliable, as metrics indicate poor data quality at this position in the gnomAD database. This variant has not been reported in the literature in individuals affected with POT1-related conditions. ClinVar contains an entry for this variant (Variation ID: 475116). Invitae Evidence Modeling of protein sequence and biophysical properties (such as structural, functional, and spatial information, amino acid conservation, physicochemical variation, residue mobility, and thermodynamic stability) indicates that this missense variant is not expected to disrupt POT1 protein function with a negative predictive value of 80%. In summary, the available evidence is currently insufficient to determine the role of this variant in disease. Therefore, it has been classified as a Variant of Uncertain Significance.

Ambry Genetics
Classification: Uncertain significance for Hereditary cancer-predisposing syndrome. Last evaluated: 2023-05-15. Review status: criteria provided, single submitter. Criteria: Ambry Variant Classification Scheme 2023. Collection method: clinical testing. Allele origin: germline.
Comment: The p.C329Y variant (also known as c.986G>A), located in coding exon 8 of the POT1 gene, results from a G to A substitution at nucleotide position 986. The cysteine at codon 329 is replaced by tyrosine, an amino acid with highly dissimilar properties. This amino acid position is highly conserved in available vertebrate species. In addition, the in silico prediction for this alteration is inconclusive. Since supporting evidence is limited at this time, the clinical significance of this alteration remains unclear.

GeneDx
Classification: Uncertain significance. Last evaluated: 2022-11-15. Review status: criteria provided, single submitter. Criteria: GeneDx Variant Classification Process June 2021. Collection method: clinical testing. Allele origin: germline. Affected: yes.
Comment: Not observed at significant frequency in large population cohorts (gnomAD); In silico analysis supports that this missense variant has a deleterious effect on protein structure/function; Has not been previously published as pathogenic or benign to our knowledge